The following is an entry in ClinVar:

ClinVar aggregate classification (germline): Uncertain significance (1 of 4 stars; one submission).

Conditions:
Familial cancer of breast. Also called: Hereditary breast cancer; BREAST CANCER, FAMILIAL; hereditary breast carcinoma. Identifiers: Orphanet 227535, MedGen C0346153, MONDO:0016419, OMIM 114480. Disease mechanism: loss of function.

Submission:

Labcorp Genetics (formerly Invitae), Labcorp
Classification: Uncertain significance for Familial cancer of breast. Last evaluated: 2022-12-24. Review status: criteria provided, single submitter. Criteria: Invitae Variant Classification Sherloc (09022015). Collection method: clinical testing. Allele origin: germline.
Comment: This sequence change affects the initiator methionine of the CHEK2 mRNA. The next in-frame methionine is located at codon 46. This variant is not present in population databases (gnomAD no frequency). This variant has not been reported in the literature in individuals affected with CHEK2-related conditions. In summary, the available evidence is currently insufficient to determine the role of this variant in disease. Therefore, it has been classified as a Variant of Uncertain Significance.

NM_007194.4(CHEK2):c.2T>A (p.Met1Lys)

Gene: CHEK2 (checkpoint kinase 2; minus strand). Cytogenetic location: 22q12.1.
Variant type: single nucleotide variant.
Coding change: c.2T>A on transcript NM_007194.4 (MANE Select); coding-DNA position 2, T replaced by A.
Protein change: p.Met1Lys; changes the start codon (methionine 1).
Molecular consequence: missense variant, initiator codon variant.
Genome position (GRCh38, 1-based): chr22:28,734,720, A>T on the plus strand (T>A on the coding strand, the complement: CHEK2 is on the minus strand). VCF-style: chr22-28734720-A-T. GRCh37 (hg19) VCF-style: chr22-29130708-A-T.
Other names: c.2T>A, p.Met1Lys (NM_001005735.3, NM_001349956.3, NM_145862.3); c.-776T>A (NM_001257387.3); short protein forms M1K.
Identifiers: ClinVar variation 2823718 (VCV002823718.3), dbSNP rs2518136502, ClinGen allele CA411092187.
Genomic context (GRCh38, chr22:28,734,720, plus strand): 5'-GGCTGTGAACAGGCACTGCTGCCATGAGACTGCTGAGCCTCAACATCCGACTCCCGAGAC[A>T]TCACGACCTCAAAAAGAAAGTGTCCAACAACAAAGGTGAGTTTCAAGGCACAAGACTTAA-3'
Protein context (NP_009125.1, residues 1-11): [Met1Lys]SRESDVEAQQ